The following is an entry in ClinVar:

ClinVar aggregate classification (germline): Pathogenic/Likely pathogenic. Review status: criteria provided, multiple submitters, no conflicts (2 of 4 stars). 5 submissions from 5 submitters: Pathogenic (2); Likely pathogenic (1). 2 of the submissions do not count toward it. Last evaluated 2024-07-31.

Conditions:
Ketoacidosis due to monocarboxylate transporter-1 deficiency. Also called: Monocarboxylate transporter 1 deficiency. Identifiers: Orphanet 438075, MedGen C4015186, MONDO:0014490, OMIM 616095.
Monocarboxylate transporter 1 deficiency, autosomal dominant. Identifiers: MedGen C4016684.
Metabolic myopathy due to lactate transporter defect. Also called: LACTATE TRANSPORTER DEFECT, MYOPATHY DUE TO. Identifiers: Orphanet 171690, MedGen C1855577, MONDO:0009501, OMIM 245340.

Submissions (5):

Labcorp Genetics (formerly Invitae), Labcorp
Classification: Pathogenic. Last evaluated: 2024-07-31. Review status: criteria provided, single submitter. Criteria: Invitae Variant Classification Sherloc (09022015). Collection method: clinical testing. Allele origin: germline.
Comment: This sequence change creates a premature translational stop signal (p.Asn250Serfs*5) in the SLC16A1 gene. It is expected to result in an absent or disrupted protein product. Loss-of-function variants in SLC16A1 are known to be pathogenic (PMID: 25390740). This variant is present in population databases (rs606231311, gnomAD 0.0009%). This premature translational stop signal has been observed in individual(s) with SLC16A1-related conditions (PMID: 25390740). ClinVar contains an entry for this variant (Variation ID: 160371). For these reasons, this variant has been classified as Pathogenic.

Greenwood Genetic Center Diagnostic Laboratories, Greenwood Genetic Center
Classification: Likely pathogenic for Ketoacidosis due to monocarboxylate transporter-1 deficiency. Last evaluated: 2022-12-14. Review status: criteria provided, single submitter. Criteria: ACMG Guidelines, 2015. Collection method: clinical testing. Allele origin: germline. Affected: yes.
Comment: PVS1, PM2

GeneDx
Classification: Pathogenic. Last evaluated: 2022-10-10. Review status: criteria provided, single submitter. Criteria: GeneDx Variant Classification Process June 2021. Collection method: clinical testing. Allele origin: germline. Affected: yes.
Comment: Frameshift variant predicted to result in protein truncation or nonsense mediated decay in a gene for which loss-of-function is a known mechanism of disease; Not observed at a significant frequency in large population cohorts (gnomAD); This variant is associated with the following publications: (PMID: 34758253, 25390740)

OMIM
Classification: Pathogenic for MONOCARBOXYLATE TRANSPORTER 1 DEFICIENCY, AUTOSOMAL DOMINANT. Last evaluated: 2014-11-13. Review status: no assertion criteria provided. Collection method: literature only. Allele origin: germline. Not counted in ClinVar's aggregate classification.

Genomics England Pilot Project, Genomics England
Classification: Likely pathogenic for Metabolic myopathy due to lactate transporter defect. Review status: no assertion criteria provided. Criteria: ACGS Guidelines, 2016. Collection method: clinical testing. Allele origin: germline. Affected: yes. Not counted in ClinVar's aggregate classification.

Literature cited by the submitters: PubMed 25390740 (cited by Labcorp Genetics (formerly Invitae), Labcorp); van Hasselt, P. M., Ferdinandusse, S., Monroe, G. R., Ruiter, J. P. N., Turkenburg, M., Geerlings, M. J., Duran, K., Harakalova, M., van der Zwaag, B., Monavari, A. A., Okur, I., Sharrard, M. J., and 11 others Monocarboxylate transporter 1 deficiency and ketone utilization. New Eng. J. Med. 371: 1900-1907, 2014. (cited by OMIM).

NM_003051.4(SLC16A1):c.747_750del (p.Asn250fs)

Gene: SLC16A1 (solute carrier family 16 member 1; minus strand). Cytogenetic location: 1p13.2.
Variant type: Deletion.
Coding change: c.747_750del on transcript NM_003051.4 (MANE Select); coding-DNA positions 747 to 750, 4 bases deleted (TAAT; older notation c.747_750delTAAT).
Protein change: p.Asn250fs; shifts the reading frame from asparagine 250.
Molecular consequence: frameshift variant.
Genome position (GRCh38, 1-based): chr1:112,917,656-112,917,659, ATTA deleted on the plus strand (TAAT on the coding strand, the reverse complement: SLC16A1 is on the minus strand); deleting any 4 consecutive bases within chr1:112,917,656-112,917,662 gives the same sequence; the c. name uses the placement nearest the transcript's 3' end. VCF-style (leftmost placement, unchanged base first): chr1-112917655-GATTA-G. GRCh37 (hg19) VCF-style: chr1-113460277-GATTA-G.
Other names: c.747_750del, p.Asn250fs (NM_001166496.2); short protein forms N250fs.
Identifiers: ClinVar variation 160371 (VCV000160371.12), dbSNP rs606231311, ClinGen allele CA173976.